The following is an entry in ClinVar:

ClinVar aggregate classification (germline): Benign/Likely benign. Review status: criteria provided, multiple submitters, no conflicts (2 of 4 stars). 8 submissions from 8 submitters: Benign (1); Likely benign (6). 1 of the submissions does not count toward it. Last evaluated 2026-01-19.

Conditions:
Hereditary cancer-predisposing syndrome. Also called: Tumor predisposition; Neoplastic Syndromes, Hereditary; Hereditary Cancer Syndrome; Hereditary neoplastic syndrome. Identifiers: Orphanet 140162, MedGen C0027672, MeSH D009386, MONDO:0015356.
PTCH1-related disorder. Also called: PTCH1-related disorders; PTCH1-related condition.
Gorlin syndrome. Also called: Nevoid Basal Cell Carcinoma Syndrome; Basal cell nevus syndrome. Identifiers: Orphanet 377, MedGen C0004779, MONDO:0007187.

Allele frequency attached by ClinVar (database versions not stated): ExAC 0.00003; gnomAD exomes 0.00003 and 0.00007; gnomAD 0.00004 and 0.00005; TOPMed 0.00009.
gnomAD v4.1: 116 of 1,613,978 alleles (0.0072%); highest among the groups gnomAD compares: Middle Eastern, 0.016%; no homozygotes.

Submissions (8):

Labcorp Genetics (formerly Invitae), Labcorp
Classification: Likely benign for Gorlin syndrome. Last evaluated: 2026-01-19. Review status: criteria provided, single submitter. Criteria: Invitae Variant Classification Sherloc (09022015). Collection method: clinical testing. Allele origin: germline.

Women's Health and Genetics/Laboratory Corporation of America, LabCorp
Classification: Likely benign. Last evaluated: 2025-03-26. Review status: criteria provided, single submitter. Criteria: LabCorp Variant Classification Summary - May 2015. Collection method: clinical testing. Allele origin: germline.

Blueprint Genetics
Classification: Likely benign. Last evaluated: 2024-08-20. Review status: criteria provided, single submitter. Criteria: ACMG Guidelines, 2015. Collection method: clinical testing. Allele origin: germline.

Quest Diagnostics Nichols Institute San Juan Capistrano
Classification: Likely benign. Last evaluated: 2023-09-01. Review status: criteria provided, single submitter. Criteria: Quest Diagnostics criteria. Collection method: clinical testing. Allele origin: unknown.

Sema4
Classification: Likely benign for Hereditary cancer-predisposing syndrome. Last evaluated: 2021-03-12. Review status: criteria provided, single submitter. Criteria: Sema4 Curation Guidelines. Collection method: curation. Allele origin: germline.

Ambry Genetics
Classification: Likely benign for Hereditary cancer-predisposing syndrome. Last evaluated: 2018-11-13. Review status: criteria provided, single submitter. Criteria: Ambry Variant Classification Scheme 2023. Collection method: clinical testing. Allele origin: germline.

GeneDx
Classification: Benign. Last evaluated: 2015-03-03. Review status: criteria provided, single submitter. Criteria: GeneDx Variant Classification Process June 2021. Collection method: clinical testing. Allele origin: germline. Affected: yes.

PreventionGenetics, part of Exact Sciences
Classification: Likely benign for PTCH1-related condition. Last evaluated: 2022-04-06. Review status: no assertion criteria provided. Collection method: clinical testing. Allele origin: germline. Not counted in ClinVar's aggregate classification.
Comment: This variant is classified as likely benign based on ACMG/AMP sequence variant interpretation guidelines (Richards et al. 2015 PMID: 25741868, with internal and published modifications).

NM_000264.5(PTCH1):c.624G>A (p.Glu208=)

Gene: PTCH1 (patched 1; minus strand). Cytogenetic location: 9q22.32.
Variant type: single nucleotide variant.
Coding change: c.624G>A on transcript NM_000264.5 (MANE Select); coding-DNA position 624, G replaced by A.
Protein change: p.Glu208=; no amino-acid change (glutamic acid 208 retained).
Molecular consequence: synonymous variant. On other transcripts: non-coding transcript variant (1).
Genome position (GRCh38, 1-based): chr9:95,482,164, C>T on the plus strand (G>A on the coding strand, the complement: PTCH1 is on the minus strand). VCF-style: chr9-95482164-C-T. GRCh37 (hg19) VCF-style: chr9-98244446-C-T.
Other names: c.426G>A, p.Glu142= (NM_001083602.3, NM_001354919.2); c.621G>A, p.Glu207= (NM_001083603.3); c.171G>A, p.Glu57= (NM_001083604.3, NM_001083605.3, NM_001083606.3 and 1 more transcripts); c.624G>A, p.Glu208= (NM_001354918.2); c.624G>A (NM_000264.4).
Identifiers: ClinVar variation 220471 (VCV000220471.28), dbSNP rs777231059, ClinGen allele CA349231.